The following is an entry in ClinVar:

ClinVar aggregate classification (germline): Pathogenic. Review status: criteria provided, single submitter (1 of 4 stars). 2 submissions from 2 submitters: Pathogenic (1). 1 of the submissions does not count toward it. Last evaluated 2024-03-25.

Conditions:
Joubert syndrome 18 (JBTS18). Identifiers: Orphanet 2754, MedGen C3553758, MONDO:0013896, OMIM 614815.
Orofacial-digital syndrome IV (OFD4). Also called: BARAITSER-BURN SYNDROME; OFD SYNDROME WITH TIBIAL DEFECTS; OFD SYNDROME, BARAITSER-BURN TYPE; OFDS IV; ORAL-FACIAL-DIGITAL SYNDROME, TYPE IV; Orofaciodigital syndrome IV. Identifiers: Orphanet 2753, MedGen C0406727, MONDO:0009794, OMIM 258860.

Submissions (2):

Labcorp Genetics (formerly Invitae), Labcorp
Classification: Pathogenic for Joubert syndrome 18; Orofacial-digital syndrome IV. Last evaluated: 2024-03-25. Review status: criteria provided, single submitter. Criteria: Invitae Variant Classification Sherloc (09022015). Collection method: clinical testing. Allele origin: germline.
Comment: This sequence change creates a premature translational stop signal (p.Leu450Serfs*14) in the TCTN3 gene. It is expected to result in an absent or disrupted protein product. Loss-of-function variants in TCTN3 are known to be pathogenic (PMID: 2692869, 22883145, 25118024). This variant is not present in population databases (gnomAD no frequency). This premature translational stop signal has been observed in individual(s) with TCTN3-related conditions (PMID: 22883145). ClinVar contains an entry for this variant (Variation ID: 37060). For these reasons, this variant has been classified as Pathogenic.

OMIM
Classification: Pathogenic for OROFACIODIGITAL SYNDROME IV. Last evaluated: 2012-08-10. Review status: no assertion criteria provided. Collection method: literature only. Allele origin: germline. Not counted in ClinVar's aggregate classification.

Literature cited by the submitters: PubMed 2692869 (cited by Labcorp Genetics (formerly Invitae), Labcorp); PubMed 22883145 (cited by Labcorp Genetics (formerly Invitae), Labcorp and OMIM); PubMed 25118024 (cited by Labcorp Genetics (formerly Invitae), Labcorp).

NM_015631.6(TCTN3):c.1348_1349del (p.Leu450fs)

Gene: TCTN3 (tectonic family member 3; minus strand). Cytogenetic location: 10q24.1.
Variant type: Microsatellite.
Coding change: c.1348_1349del on transcript NM_015631.6 (MANE Select); coding-DNA positions 1348 to 1349, 2 bases deleted (CT; older notation c.1348_1349delCT).
Protein change: p.Leu450fs; shifts the reading frame from leucine 450.
Molecular consequence: frameshift variant.
Genome position (GRCh38, 1-based): chr10:95,682,754-95,682,755, AG deleted on the plus strand (CT on the coding strand, the reverse complement: TCTN3 is on the minus strand); deleting any 2 consecutive bases within chr10:95,682,754-95,682,757 gives the same sequence; the c. name uses the placement nearest the transcript's 3' end. VCF-style (leftmost placement, unchanged base first): chr10-95682753-AAG-A. GRCh37 (hg19) VCF-style: chr10-97442510-AAG-A.
Other names: c.904_905del, p.Leu302fs (NM_001143973.2); short protein forms L450fs, L302fs.
Identifiers: ClinVar variation 37060 (VCV000037060.5), dbSNP rs768525869, ClinGen allele CA130051.
Genomic context (GRCh38, chr10:95,682,753, plus strand): 5'-TTTCTGGGCTGGGTCAGCATTACCAAAGATGGCAACATACTCTGGTCTGGGCCTTCCATG[AAG>A]AGTCTGATAAATCTCCTGCTGCAAGTGGCTGCAGTCTGCCTTCTTCAACCTATAATTAAA-3'